The following is an entry in ClinVar:

NM_000350.3(ABCA4):c.3522+1G>T

Gene: ABCA4 (ATP binding cassette subfamily A member 4; minus strand). Cytogenetic location: 1p22.1.
Variant type: single nucleotide variant.
Coding change: c.3522+1G>T on transcript NM_000350.3 (MANE Select); the canonical splice donor site of the intron after coding-DNA position 3522, G replaced by T.
Molecular consequence: splice donor variant.
Genome position (GRCh38, 1-based): chr1:94,041,208, C>A on the plus strand (G>T on the coding strand, the complement: ABCA4 is on the minus strand). VCF-style: chr1-94041208-C-A. GRCh37 (hg19) VCF-style: chr1-94506764-C-A.
Identifiers: ClinVar variation 2778484 (VCV002778484.4), dbSNP rs1265840106, ClinGen allele CA341290381.

ClinVar aggregate classification (germline): Pathogenic. Review status: criteria provided, multiple submitters, no conflicts (2 of 4 stars). 2 submissions from 2 submitters: Pathogenic (2). Last evaluated 2023-01-16.

Conditions:
ABCA4-related disorder. Also called: ABCA4-related disorders; ABCA4-related condition. Identifiers: MedGen CN239167.

Allele frequency attached by ClinVar (database versions not stated): gnomAD exomes below 0.00001.
gnomAD v4.1: 2 of 1,614,108 alleles (0.00012%); highest among the groups gnomAD compares: Admixed American, 0.0033%; no homozygotes.

Submissions (2):

Labcorp Genetics (formerly Invitae), Labcorp
Classification: Pathogenic. Last evaluated: 2023-01-16. Review status: criteria provided, single submitter. Criteria: Invitae Variant Classification Sherloc (09022015). Collection method: clinical testing. Allele origin: germline.
Comment: For these reasons, this variant has been classified as Pathogenic. Algorithms developed to predict the effect of sequence changes on RNA splicing suggest that this variant may disrupt the consensus splice site. Disruption of this splice site has been observed in individual(s) with Stargardt disease (PMID: 31543898; Invitae). This variant is present in population databases (no rsID available, gnomAD 0.006%). This sequence change affects a donor splice site in intron 23 of the ABCA4 gene. It is expected to disrupt RNA splicing. Variants that disrupt the donor or acceptor splice site typically lead to a loss of protein function (PMID: 16199547), and loss-of-function variants in ABCA4 are known to be pathogenic (PMID: 10958761, 24938718, 25312043, 26780318).

Blueprint Genetics
Classification: Pathogenic for ABCA4-related disorders. Last evaluated: 2022-09-05. Review status: criteria provided, single submitter. Criteria: ACMG Guidelines, 2015. Collection method: clinical testing. Allele origin: germline. Affected: yes. Observed: 3 variant alleles.

Literature cited by the submitters: PubMed 31543898 (cited by Labcorp Genetics (formerly Invitae), Labcorp); PubMed 16199547 (cited by Labcorp Genetics (formerly Invitae), Labcorp); PubMed 10958761 (cited by Labcorp Genetics (formerly Invitae), Labcorp); PubMed 24938718 (cited by Labcorp Genetics (formerly Invitae), Labcorp); PubMed 25312043 (cited by Labcorp Genetics (formerly Invitae), Labcorp); PubMed 26780318 (cited by Labcorp Genetics (formerly Invitae), Labcorp).